The following is an entry in ClinVar:

NM_020937.4(FANCM):c.4637T>G (p.Leu1546Ter)

Gene: FANCM (FA complementation group M; plus strand). Cytogenetic location: 14q21.2.
Variant type: single nucleotide variant.
Coding change: c.4637T>G on transcript NM_020937.4 (MANE Select); coding-DNA position 4637, T replaced by G.
Protein change: p.Leu1546Ter; replaces leucine 1546 with a stop codon.
Molecular consequence: nonsense.
Genome position (GRCh38, 1-based): chr14:45,185,338, T>G. VCF-style: chr14-45185338-T-G. GRCh37 (hg19) VCF-style: chr14-45654541-T-G.
Other names: c.4637T>G (NM_020937.3); c.4559T>G, p.Leu1520Ter (NM_001308133.2); short protein forms L1520*, L1546*.
Identifiers: ClinVar variation 2730553 (VCV002730553.4), dbSNP rs755094018, ClinGen allele CA7169811.

ClinVar aggregate classification (germline): Pathogenic/Likely pathogenic. Review status: criteria provided, multiple submitters, no conflicts (2 of 4 stars). 2 submissions from 2 submitters: Pathogenic (1); Likely pathogenic (1). Last evaluated 2024-09-24.

Conditions:
Fanconi anemia (FA). Also called: Fanconi's anemia. Identifiers: Orphanet 84, MedGen C0015625, MeSH D005199, MONDO:0019391.

Allele frequency attached by ClinVar (database versions not stated): gnomAD exomes below 0.00001; ExAC 0.00001; TOPMed 0.00002.
gnomAD v4.1: 3 of 1,593,514 alleles (0.00019%); highest among the groups gnomAD compares: Admixed American, 0.0051%; no homozygotes.

Submissions (2):

Quest Diagnostics Nichols Institute San Juan Capistrano
Classification: Likely pathogenic. Last evaluated: 2024-09-24. Review status: criteria provided, single submitter. Criteria: Quest Diagnostics criteria. Collection method: clinical testing. Allele origin: unknown.
Comment: The FANCM c.4637T>G (p.Leu1546*) variant is predicted to cause the premature termination of FANCM protein synthesis. This variant has not been reported in individuals with FANCM-related conditions in the published literature. The frequency of this variant in the general population, 0.000091 (3/33070 chromosomes (Genome Aggregation Database)), is uninformative in the assessment of its pathogenicity. Based on the available information, this variant is classified as likely pathogenic.

Labcorp Genetics (formerly Invitae), Labcorp
Classification: Pathogenic for Fanconi anemia. Last evaluated: 2024-09-21. Review status: criteria provided, single submitter. Criteria: Invitae Variant Classification Sherloc (09022015). Collection method: clinical testing. Allele origin: germline.
Comment: This sequence change creates a premature translational stop signal (p.Leu1546*) in the FANCM gene. It is expected to result in an absent or disrupted protein product. Loss-of-function variants in FANCM are known to be pathogenic (PMID: 29895858, 30075111). This variant is present in population databases (rs755094018, gnomAD 0.009%). This variant has not been reported in the literature in individuals affected with FANCM-related conditions. For these reasons, this variant has been classified as Pathogenic.

Literature cited by the submitters: PubMed 29895858 (cited by Labcorp Genetics (formerly Invitae), Labcorp); PubMed 30075111 (cited by Labcorp Genetics (formerly Invitae), Labcorp).